The following is an entry in ClinVar:

NM_024685.4(BBS10):c.752C>A (p.Ala251Glu)

Gene: BBS10 (Bardet-Biedl syndrome 10; minus strand). Cytogenetic location: 12q21.2.
Variant type: single nucleotide variant.
Coding change: c.752C>A on transcript NM_024685.4 (MANE Select); coding-DNA position 752, C replaced by A.
Protein change: p.Ala251Glu; replaces alanine 251 with glutamic acid.
Molecular consequence: missense variant.
Genome position (GRCh38, 1-based): chr12:76,347,233, G>T on the plus strand (C>A on the coding strand, the complement: BBS10 is on the minus strand). VCF-style: chr12-76347233-G-T. GRCh37 (hg19) VCF-style: chr12-76741013-G-T.
Other names: c.752C>A (NM_024685.3); short protein forms A251E.
Identifiers: ClinVar variation 2139932 (VCV002139932.3), dbSNP rs149760791, ClinGen allele CA385814435.
Genomic context (GRCh38, chr12:76,347,233, plus strand): 5'-GAAGTGGAAAAAAGAGGCTGAATGGTTTCTGTTACTATCACCATTCGCATGTCACCATCT[G>T]CTGGGCGGTACACAGAAAAATCTTTCTGAAGCACAAGACCAGCTATGATCCTGGAATCTG-3'
Protein context (NP_078961.3, residues 241-261): LQKDFSVYRP[Ala251Glu]DGDMRMVIVT

ClinVar aggregate classification (germline): Uncertain significance. Review status: criteria provided, multiple submitters, no conflicts (2 of 4 stars). 2 submissions from 2 submitters: Uncertain significance (2). Last evaluated 2025-10-27.

Conditions:
BBS10-related disorder. Also called: BBS10-related condition.
Bardet-Biedl syndrome (BBS). Identifiers: Orphanet 110, MedGen C0752166, MONDO:0015229.

gnomAD v4.1: 1 of 1,612,510 alleles (0.000062%); no homozygotes.

Submissions (2):

PreventionGenetics, part of Exact Sciences
Classification: Uncertain significance for BBS10-related condition. Last evaluated: 2025-10-27. Review status: criteria provided, single submitter. Criteria: ACMG Guidelines, 2015. Collection method: clinical testing. Allele origin: germline.
Comment: The BBS10 c.752C>A variant is predicted to result in the amino acid substitution p.Ala251Glu. To our knowledge, this variant has not been reported in the literature or in a large population database (gnomAD), indicating this variant is rare. At this time, the clinical significance of this variant is uncertain due to the absence of conclusive functional and genetic evidence.

Labcorp Genetics (formerly Invitae), Labcorp
Classification: Uncertain significance for Bardet-Biedl syndrome. Last evaluated: 2022-03-21. Review status: criteria provided, single submitter. Criteria: Invitae Variant Classification Sherloc (09022015). Collection method: clinical testing. Allele origin: germline.
Comment: In summary, the available evidence is currently insufficient to determine the role of this variant in disease. Therefore, it has been classified as a Variant of Uncertain Significance. Algorithms developed to predict the effect of missense changes on protein structure and function (SIFT, PolyPhen-2, Align-GVGD) all suggest that this variant is likely to be disruptive. This variant has not been reported in the literature in individuals affected with BBS10-related conditions. This variant is not present in population databases (gnomAD no frequency). This sequence change replaces alanine, which is neutral and non-polar, with glutamic acid, which is acidic and polar, at codon 251 of the BBS10 protein (p.Ala251Glu).